The following is an entry in ClinVar:

ClinVar aggregate classification (germline): Benign. Review status: criteria provided, multiple submitters, no conflicts (2 of 4 stars). 2 submissions from 2 submitters: Benign (2). Last evaluated 2018-01-13.

Conditions:
Ataxia-telangiectasia syndrome (AT). Also called: Ataxia telangiectasia (A-T); Cerebello-oculocutaneous telangiectasia; Immunodeficiency with ataxia telangiectasia; LOUIS-BAR SYNDROME; AT, COMPLEMENTATION GROUP C; ATAXIA-TELANGIECTASIA, FRESNO VARIANT. Identifiers: Orphanet 100, MedGen C0004135, MONDO:0008840, OMIM 208900.

Allele frequency attached by ClinVar (database versions not stated): 1000 Genomes Project 0.53454; gnomAD 0.53613 and 0.53241; gnomAD exomes 0.54908; TOPMed 0.52859; 1000 Genomes Project 30x 0.53513.
gnomAD v4.1: 106,187 of 196,746 alleles (54%); highest among the groups gnomAD compares: Middle Eastern, 72%; 29,310 homozygotes.

Submissions (2):

Illumina Laboratory Services, Illumina
Classification: Benign for Ataxia-telangiectasia syndrome. Last evaluated: 2018-01-13. Review status: criteria provided, single submitter. Criteria: ICSL Variant Classification Criteria 13 December 2019. Collection method: clinical testing. Allele origin: germline.
Comment: This variant was observed in the ICSL laboratory as part of a predisposition screen in an ostensibly healthy population. It had not been previously curated by ICSL or reported in the Human Gene Mutation Database (HGMD: prior to June 1st, 2018), and was therefore a candidate for classification through an automated scoring system. Utilizing variant allele frequency, disease prevalence and penetrance estimates, and inheritance mode, an automated score was calculated to assess if this variant is too frequent to cause the disease. Based on the score and internal cut-off values, a variant classified as benign is not then subjected to further curation. The score for this variant resulted in a classification of benign for this disease.

Breakthrough Genomics
Classification: Benign. Review status: criteria provided, single submitter. Criteria: ACMG Guidelines, 2015. Collection method: not provided. Allele origin: germline. Inheritance: Autosomal recessive inheritance. Affected: yes.

NM_000051.4(ATM):c.*3393G>T

Genes: ATM (ATM serine/threonine kinase; plus strand), C11orf65 (chromosome 11 open reading frame 65; minus strand). Cytogenetic location: 11q22.3.
Variant type: single nucleotide variant.
Coding change: c.*3393G>T on transcript NM_000051.4 (MANE Select); 3393 bases downstream of the stop codon, G replaced by T.
Molecular consequence: 3 prime UTR variant. On other transcripts: intron variant (2).
Genome position (GRCh38, 1-based): chr11:108,368,901, G>T. VCF-style: chr11-108368901-G-T. GRCh37 (hg19) VCF-style: chr11-108239628-G-T.
Other names: c.*3393G>T (NM_001351834.2); c.640+17019C>A (NM_001330368.2); c.694+17019C>A (NM_001351110.2).
Identifiers: ClinVar variation 302299 (VCV000302299.8), dbSNP rs4585, ClinGen allele CA10637038.